The following is an entry in ClinVar:

NM_005515.4(MNX1):c.1037G>T (p.Arg346Leu)

Gene: MNX1 (motor neuron and pancreas homeobox 1; minus strand). Cytogenetic location: 7q36.3.
Variant type: single nucleotide variant.
Coding change: c.1037G>T on transcript NM_005515.4 (MANE Select); coding-DNA position 1037, G replaced by T.
Protein change: p.Arg346Leu; replaces arginine 346 with leucine.
Molecular consequence: missense variant.
Genome position (GRCh38, 1-based): chr7:157,005,689, C>A on the plus strand (G>T on the coding strand, the complement: MNX1 is on the minus strand). VCF-style: chr7-157005689-C-A. GRCh37 (hg19) VCF-style: chr7-156798383-C-A.
Other names: c.401G>T, p.Arg134Leu (NM_001165255.2); short protein forms R134L, R346L.
Identifiers: ClinVar variation 1049483 (VCV001049483.1), dbSNP rs1805582230, ClinGen allele CA370161570.
Genomic context (GRCh38, chr7:157,005,689, plus strand): 5'-TCCTCGTCGTCCTCGTCCTCGTCCTCCTCGGGGTCACTGTCCCTCAAGTCCCGCAGGCGG[C>A]GTCCGCTGCCCTTGTCTCCGGGCGCTGGCGGCCCCAGCAGCTCCTCGGCTCCCGGCTCCT-3'
Protein context (NP_005506.3, residues 336-356): PPAPGDKGSG[Arg346Leu]RLRDLRDSDP

ClinVar aggregate classification (germline): Uncertain significance (0 of 4 stars; one submission).

Allele frequency attached by ClinVar (database versions not stated): gnomAD 0.00001; TOPMed 0.00001; gnomAD exomes 0.00002.
gnomAD v4.1: 30 of 1,610,454 alleles (0.0019%); highest among the groups gnomAD compares: Non-Finnish European, 0.0024%; no homozygotes.

Submission:

Department of Pathology and Laboratory Medicine, Sinai Health System
Classification: Uncertain significance. Review status: no assertion criteria provided. Collection method: clinical testing. Allele origin: unknown. Affected: yes. Study: The Canadian Open Genetics Repository (COGR).
Comment: The MNX1 p.Arg134Leu variant was not identified in the literature nor was it identified in dbSNP, ClinVar, LOVD 3.0 or in the following control databases: the 1000 Genomes Project, the NHLBI GO Exome Sequencing Project, the Exome Aggregation Consortium (August 8th 2016), or the Genome Aggregation Database (March 6, 2019, v2.1.1). The p.Arg134 residue is conserved in mammals and computational analyses (PolyPhen-2, SIFT, AlignGVGD, BLOSUM, MutationTaster) provide inconsistent predictions regarding the impact to the protein; this information is not very predictive of pathogenicity. The variant occurs outside of the splicing consensus sequence and in silico or computational prediction software programs (SpliceSiteFinder, MaxEntScan, NNSPLICE, GeneSplicer) do not predict a difference in splicing. In summary, based on the above information the clinical significance of this variant cannot be determined with certainty at this time. This variant is classified as a variant of uncertain significance.